The following is an entry in ClinVar:

ClinVar aggregate classification (germline): Uncertain significance. Review status: criteria provided, single submitter (1 of 4 stars). 2 submissions from 2 submitters: Uncertain significance (1). 1 of the submissions does not count toward it. Last evaluated 2021-09-02.

Conditions:
Glycogen storage disease type III (GSD3). Also called: Cori disease; FORBES DISEASE. Identifiers: Orphanet 366, MedGen C0017922, MONDO:0009291, OMIM 232400.

Allele frequency attached by ClinVar (database versions not stated): TOPMed below 0.00001.
gnomAD v4.1: 1 of 1,614,042 alleles (0.000062%); highest among the groups gnomAD compares: African/African-American, 0.0013%; no homozygotes.

Submissions (2):

Labcorp Genetics (formerly Invitae), Labcorp
Classification: Uncertain significance for Glycogen storage disease type III. Last evaluated: 2021-09-02. Review status: criteria provided, single submitter. Criteria: Invitae Variant Classification Sherloc (09022015). Collection method: clinical testing. Allele origin: germline.
Comment: This sequence change replaces lysine with glutamic acid at codon 875 of the AGL protein (p.Lys875Glu). The lysine residue is weakly conserved and there is a small physicochemical difference between lysine and glutamic acid. This variant is not present in population databases (ExAC no frequency). This variant has not been reported in the literature in individuals affected with AGL-related conditions. Algorithms developed to predict the effect of missense changes on protein structure and function are either unavailable or do not agree on the potential impact of this missense change (SIFT: "Deleterious"; PolyPhen-2: "Benign"; Align-GVGD: "Class C0"). In summary, the available evidence is currently insufficient to determine the role of this variant in disease. Therefore, it has been classified as a Variant of Uncertain Significance.

Natera, Inc.
Classification: Uncertain significance for Glycogen storage disease type III. Last evaluated: 2020-08-01. Review status: no assertion criteria provided. Collection method: clinical testing. Allele origin: germline. Not counted in ClinVar's aggregate classification.

NM_000642.3(AGL):c.2623A>G (p.Lys875Glu)

Gene: AGL (amylo-alpha-1,6-glucosidase and 4-alpha-glucanotransferase; plus strand). Cytogenetic location: 1p21.2.
Variant type: single nucleotide variant.
Coding change: c.2623A>G on transcript NM_000642.3 (MANE Select); coding-DNA position 2623, A replaced by G.
Protein change: p.Lys875Glu; replaces lysine 875 with glutamic acid.
Molecular consequence: missense variant.
Genome position (GRCh38, 1-based): chr1:99,884,645, A>G. VCF-style: chr1-99884645-A-G. GRCh37 (hg19) VCF-style: chr1-100350201-A-G.
Other names: c.2245A>G, p.Lys749Glu (NM_001425332.1); c.2623A>G, p.Lys875Glu (NM_000028.3, NM_000643.3, NM_000644.3 and 2 more transcripts); c.2575A>G, p.Lys859Glu (NM_000646.3); c.2422A>G, p.Lys808Glu (NM_001425327.1); c.2419A>G, p.Lys807Glu (NM_001425328.1); short protein forms K875E, K859E, K749E, K807E, K808E.
Identifiers: ClinVar variation 526594 (VCV000526594.10), dbSNP rs750932668, ClinGen allele CA341321800.